The following is an entry in ClinVar:

NM_006922.4(SCN3A):c.125A>G (p.Asp42Gly)

Gene: SCN3A (sodium voltage-gated channel alpha subunit 3; minus strand). Cytogenetic location: 2q24.3.
Variant type: single nucleotide variant.
Coding change: c.125A>G on transcript NM_006922.4 (MANE Select); coding-DNA position 125, A replaced by G.
Protein change: p.Asp42Gly; replaces aspartic acid 42 with glycine.
Molecular consequence: missense variant.
Genome position (GRCh38, 1-based): chr2:165,176,270, T>C on the plus strand (A>G on the coding strand, the complement: SCN3A is on the minus strand). VCF-style: chr2-165176270-T-C. GRCh37 (hg19) VCF-style: chr2-166032780-T-C.
Other names: c.125A>G, p.Asp42Gly (NM_001081676.2, NM_001081677.2); short protein forms D42G.
Identifiers: ClinVar variation 1710876 (VCV001710876.10), dbSNP rs1690451963, ClinGen allele CA349241016.

ClinVar aggregate classification (germline): Uncertain significance. Review status: criteria provided, multiple submitters, no conflicts (2 of 4 stars). 3 submissions from 3 submitters: Uncertain significance (3). Last evaluated 2024-11-06.

Conditions:
Inborn genetic diseases. Identifiers: MedGen C0950123, MeSH D030342.

Allele frequency attached by ClinVar (database versions not stated): gnomAD exomes below 0.00001; TOPMed 0.00001.
gnomAD v4.1: 2 of 1,614,074 alleles (0.00012%); highest among the groups gnomAD compares: African/African-American, 0.0027%; no homozygotes.

Submissions (3):

GeneDx
Classification: Uncertain significance. Last evaluated: 2024-11-06. Review status: criteria provided, single submitter. Criteria: GeneDx Variant Classification Process June 2021. Collection method: clinical testing. Allele origin: germline. Affected: yes.
Comment: Not observed at significant frequency in large population cohorts (gnomAD); In silico analysis supports that this missense variant has a deleterious effect on protein structure/function; In silico analysis suggests this variant may impact gene splicing. In the absence of RNA/functional studies, the actual effect of this sequence change is unknown.; Has not been previously published as pathogenic or benign to our knowledge

Ambry Genetics
Classification: Uncertain significance for Inborn genetic diseases. Last evaluated: 2023-10-10. Review status: criteria provided, single submitter. Criteria: Ambry Variant Classification Scheme 2023. Collection method: clinical testing. Allele origin: germline.

Labcorp Genetics (formerly Invitae), Labcorp
Classification: Uncertain significance. Last evaluated: 2022-11-08. Review status: criteria provided, single submitter. Criteria: Invitae Variant Classification Sherloc (09022015). Collection method: clinical testing. Allele origin: germline.
Comment: This sequence change replaces aspartic acid, which is acidic and polar, with glycine, which is neutral and non-polar, at codon 42 of the SCN3A protein (p.Asp42Gly). In summary, the available evidence is currently insufficient to determine the role of this variant in disease. Therefore, it has been classified as a Variant of Uncertain Significance. Algorithms developed to predict the effect of sequence changes on RNA splicing suggest that this variant may create or strengthen a splice site. Advanced modeling of protein sequence and biophysical properties (such as structural, functional, and spatial information, amino acid conservation, physicochemical variation, residue mobility, and thermodynamic stability) performed at Invitae indicates that this missense variant is not expected to disrupt SCN3A protein function. ClinVar contains an entry for this variant (Variation ID: 1710876). This variant has not been reported in the literature in individuals affected with SCN3A-related conditions. This variant is not present in population databases (gnomAD no frequency).